The following is an entry in ClinVar:

NM_005026.5(PIK3CD):c.1496A>C (p.Glu499Ala)

Gene: PIK3CD (phosphatidylinositol-4,5-bisphosphate 3-kinase catalytic subunit delta; plus strand). Cytogenetic location: 1p36.22.
Variant type: single nucleotide variant.
Coding change: c.1496A>C on transcript NM_005026.5 (MANE Select); coding-DNA position 1496, A replaced by C.
Protein change: p.Glu499Ala; replaces glutamic acid 499 with alanine.
Molecular consequence: missense variant.
Genome position (GRCh38, 1-based): chr1:9,720,636, A>C. VCF-style: chr1-9720636-A-C. GRCh37 (hg19) VCF-style: chr1-9780694-A-C.
Other names: c.1496A>C, p.Glu499Ala (NM_001350234.2); c.1409A>C, p.Glu470Ala (NM_001350235.1); short protein forms E470A, E499A.
Identifiers: ClinVar variation 958586 (VCV000958586.12), dbSNP rs922490667, ClinGen allele CA17780003.
Genomic context (GRCh38, chr1:9,720,636, plus strand): 5'-CCCCTGGGGACGCTGAGTGCAGCCGTTTGTTGCAGATCTTGGAGCTGGGGCGACACAGCG[A>C]GTGTGTGCATGTCACCGAGGAGGAGGTGAGTGGGGTGGGGGTGTGGGGTGGGGGGCATGG-3'
Protein context (NP_005017.3, residues 489-509): EKILELGRHS[Glu499Ala]CVHVTEEEQL

ClinVar aggregate classification (germline): Uncertain significance. Review status: criteria provided, multiple submitters, no conflicts (2 of 4 stars). 3 submissions from 3 submitters: Uncertain significance (3). Last evaluated 2025-10-26.

Conditions:
PIK3CD-related disorder. Also called: PIK3CD-related condition.
Immunodeficiency 14 (IMD14A). Also called: ACTIVATED PI3K-DELTA SYNDROME 1; IMMUNODEFICIENCY 14A WITH LYMPHOPROLIFERATION, AUTOSOMAL DOMINANT; Activated PI3K Delta Syndrome Type 1 (APDS1); p110-DELTA-ACTIVATING MUTATION CAUSING SENESCENT T CELLS, LYMPHADENOPATHY, AND IMMUNODEFICIENCY. Identifiers: Orphanet 397596, Orphanet 693661, MedGen C5907821, MONDO:0014222, OMIM 615513.

Allele frequency attached by ClinVar (database versions not stated): TOPMed 0.00002; gnomAD 0.00003 and 0.00002.
gnomAD v4.1: 34 of 1,195,596 alleles (0.0028%); highest among the groups gnomAD compares: Non-Finnish European, 0.0036%; no homozygotes.

Submissions (3):

Labcorp Genetics (formerly Invitae), Labcorp
Classification: Uncertain significance for Activated PI3K-delta syndrome. Last evaluated: 2025-10-26. Review status: criteria provided, single submitter. Criteria: Invitae Variant Classification Sherloc (09022015). Collection method: clinical testing. Allele origin: germline.
Comment: This sequence change replaces glutamic acid, which is acidic and polar, with alanine, which is neutral and non-polar, at codon 499 of the PIK3CD protein (p.Glu499Ala). This variant is not present in population databases (gnomAD no frequency). This missense change has been observed in individual(s) with PIK3CD-related conditions (PMID: 35753512). ClinVar contains an entry for this variant (Variation ID: 958586). Invitae Evidence Modeling of protein sequence and biophysical properties (such as structural, functional, and spatial information, amino acid conservation, physicochemical variation, residue mobility, and thermodynamic stability) indicates that this missense variant is not expected to disrupt PIK3CD protein function with a negative predictive value of 80%. In summary, the available evidence is currently insufficient to determine the role of this variant in disease. Therefore, it has been classified as a Variant of Uncertain Significance.

PreventionGenetics, part of Exact Sciences
Classification: Uncertain significance for PIK3CD-related condition. Last evaluated: 2024-11-24. Review status: criteria provided, single submitter. Criteria: ACMG Guidelines, 2015. Collection method: clinical testing. Allele origin: germline.
Comment: The PIK3CD c.1496A>C variant is predicted to result in the amino acid substitution p.Glu499Ala. This variant has been reported in an individual with symptoms of activated PI3K-delta syndrome (APDS) (Supplemental Data, E3, Similuk et al. 2022. PubMed ID: 35753512). To our knowledge, this variant has not been reported in a large population database, indicating this variant is rare. At this time, the clinical significance of this variant is uncertain due to the absence of conclusive functional and genetic evidence.

Blueprint Genetics
Classification: Uncertain significance. Last evaluated: 2022-09-29. Review status: criteria provided, single submitter. Criteria: ACMG Guidelines, 2015. Collection method: clinical testing. Allele origin: germline.

Literature cited by the submitters: PubMed 35753512 (cited by Labcorp Genetics (formerly Invitae), Labcorp).